The following is an entry in ClinVar:

ClinVar aggregate classification (germline): Uncertain significance. Review status: criteria provided, multiple submitters, no conflicts (2 of 4 stars). 5 submissions from 5 submitters: Uncertain significance (5). Last evaluated 2025-10-01.

Conditions:
Growth retardation, intellectual developmental disorder, hypotonia, and hepatopathy (GRIDHH). Also called: GROWTH RETARDATION, IMPAIRED INTELLECTUAL DEVELOPMENT, HYPOTONIA, AND HEPATOPATHY. Identifiers: Orphanet 541423, MedGen C4310720, MONDO:0014911, OMIM 617093.

Allele frequency attached by ClinVar (database versions not stated): ESP Exome Variant Server 0.00008; TOPMed 0.00019; gnomAD exomes 0.00025 and 0.00032; ExAC 0.00035; 1000 Genomes Project 0.00040; gnomAD 0.00017 and 0.00010; 1000 Genomes Project 30x 0.00047.
gnomAD v4.1: 402 of 1,613,890 alleles (0.025%); highest among the groups gnomAD compares: Middle Eastern, 1.2%; 1 homozygote.

Submissions (5):

Ambry Genetics
Classification: Uncertain significance. Last evaluated: 2025-10-01. Review status: criteria provided, single submitter. Criteria: Ambry Variant Classification Scheme 2023. Collection method: clinical testing. Allele origin: germline.

Labcorp Genetics (formerly Invitae), Labcorp
Classification: Uncertain significance. Last evaluated: 2024-12-09. Review status: criteria provided, single submitter. Criteria: Invitae Variant Classification Sherloc (09022015). Collection method: clinical testing. Allele origin: germline.
Comment: This sequence change replaces cysteine, which is neutral and slightly polar, with arginine, which is basic and polar, at codon 1153 of the IARS protein (p.Cys1153Arg). This variant is present in population databases (rs141665010, gnomAD 0.09%). This variant has not been reported in the literature in individuals affected with IARS-related conditions. ClinVar contains an entry for this variant (Variation ID: 1030526). An algorithm developed to predict the effect of missense changes on protein structure and function outputs the following: PolyPhen-2: "Benign". The arginine amino acid residue is found in multiple mammalian species, which suggests that this missense change does not adversely affect protein function. In summary, the available evidence is currently insufficient to determine the role of this variant in disease. Therefore, it has been classified as a Variant of Uncertain Significance.

Fulgent Genetics
Classification: Uncertain significance for Growth retardation, intellectual developmental disorder, hypotonia, and hepatopathy. Last evaluated: 2021-08-27. Review status: criteria provided, single submitter. Criteria: ACMG Guidelines, 2015. Collection method: clinical testing. Allele origin: unknown.

Baylor Genetics
Classification: Uncertain significance for Growth retardation, intellectual developmental disorder, hypotonia, and hepatopathy. Last evaluated: 2020-05-05. Review status: criteria provided, single submitter. Criteria: ACMG Guidelines, 2015. Collection method: clinical testing. Allele origin: unknown. Affected: yes.
Comment: This variant was determined to be of uncertain significance according to ACMG Guidelines, 2015 [PMID:25741868].

Breakthrough Genomics
Classification: Uncertain significance. Review status: criteria provided, single submitter. Criteria: ACMG Guidelines, 2015. Collection method: not provided. Allele origin: germline. Inheritance: Autosomal recessive inheritance. Affected: yes.

NM_002161.6(IARS1):c.3457T>C (p.Cys1153Arg)

Gene: IARS1 (isoleucyl-tRNA synthetase 1; minus strand). Cytogenetic location: 9q22.31.
Variant type: single nucleotide variant.
Coding change: c.3457T>C on transcript NM_002161.6 (MANE Select); coding-DNA position 3457, T replaced by C.
Protein change: p.Cys1153Arg; replaces cysteine 1153 with arginine.
Molecular consequence: missense variant. On other transcripts: non-coding transcript variant (1), intron variant (5).
Genome position (GRCh38, 1-based): chr9:92,223,442, A>G on the plus strand (T>C on the coding strand, the complement: IARS1 is on the minus strand). VCF-style: chr9-92223442-A-G. GRCh37 (hg19) VCF-style: chr9-94985724-A-G.
Other names: c.3457T>C, p.Cys1153Arg (NM_013417.4, NM_001378573.1, NM_001378574.1 and 3 more transcripts); c.3335-13T>C (NM_001378584.1); c.3410-770T>C (NM_001378585.1); c.3410-13T>C (NM_001378579.1, NM_001378580.1, NM_001378578.1); c.3382T>C, p.Cys1128Arg (NM_001374299.1, NM_001374300.1); c.3373T>C, p.Cys1125Arg (NM_001374301.1); c.3520T>C, p.Cys1174Arg (NM_001378569.1); c.3478T>C, p.Cys1160Arg (NM_001378571.1, NM_001378572.1); and 4 more; short protein forms C1139R, C1125R, C1121R, C1153R, C1160R, C1112R, C1128R, C1174R.
Identifiers: ClinVar variation 1030526 (VCV001030526.8), dbSNP rs141665010, ClinGen allele CA5121851.
Genomic context (GRCh38, chr9:92,223,442, plus strand): 5'-ACTGACAAAGAAGAGTACTAGAACTGTTGATCAGAGAGGGAGCCGATCCTGCAGTCACAC[A>G]AAGTGTTTTTCCACTAAGACTCAGTAAGTCAGTTTGGTTTTGTATTTCTAAAAATAACAA-3'
Protein context (NP_002152.2, residues 1143-1163): DLLSLSGKTL[Cys1153Arg]VTAGSAPSLI